The following is an entry in ClinVar:

NM_001378454.1(ALMS1):c.7185_7189del (p.Cys2395fs)

Gene: ALMS1 (ALMS1 centrosome and basal body associated protein; plus strand). Cytogenetic location: 2p13.1.
Variant type: Deletion.
Coding change: c.7185_7189del on transcript NM_001378454.1 (MANE Select); coding-DNA positions 7185 to 7189, 5 bases deleted (TAGTG; older notation c.7185_7189delTAGTG).
Protein change: p.Cys2395fs; shifts the reading frame from cysteine 2395.
Molecular consequence: frameshift variant.
Genome position (GRCh38, 1-based): chr2:73,453,712-73,453,716, TAGTG deleted; deleting any 5 consecutive bases within chr2:73,453,709-73,453,716 gives the same sequence; the c. name uses the placement nearest the transcript's 3' end. VCF-style (leftmost placement, unchanged base first): chr2-73453708-GGTGTA-G. GRCh37 (hg19) VCF-style: chr2-73680835-GGTGTA-G.
Other names: c.7188_7192del, p.Cys2396fs (NM_015120.4); short protein forms C2395fs, C2396fs.
Identifiers: ClinVar variation 3897181 (VCV003897181.1).
Genomic context (GRCh38, chr2:73,453,708, plus strand): 5'-TAGAAGAAACTCTTAGGCAATATCAAGCAGCCAAATCTGTAATGAGGTCTGAACCTGAAG[GGTGTA>G]GTGGAACCATTGGGAATAAAATTATTATCCCTATGATGACTGTCATAAAAAGTGATTCAA-3'

ClinVar aggregate classification (germline): Pathogenic (1 of 4 stars; one submission).

Submission:

GeneDx
Classification: Pathogenic. Last evaluated: 2024-11-05. Review status: criteria provided, single submitter. Criteria: GeneDx Variant Classification Process June 2021. Collection method: clinical testing. Allele origin: germline. Affected: yes.
Comment: Reported in two alleles from a cohort of patients with Alstrom syndrome in published literature, although additional phenotypic and segregation information was not provided (PMID: 25846608); Frameshift variant predicted to result in protein truncation or nonsense mediated decay in a gene for which loss of function is a known mechanism of disease; Not observed at significant frequency in large population cohorts (gnomAD); This variant is associated with the following publications: (PMID: 25846608)